The following is an entry in ClinVar:

NM_000352.6(ABCC8):c.3827_3828del (p.Ser1276fs)

Gene: ABCC8 (ATP binding cassette subfamily C member 8; minus strand). Cytogenetic location: 11p15.1.
Variant type: Microsatellite.
Coding change: c.3827_3828del on transcript NM_000352.6 (MANE Select); coding-DNA positions 3827 to 3828, 2 bases deleted (CT; older notation c.3827_3828delCT).
Protein change: p.Ser1276fs; shifts the reading frame from serine 1276.
Molecular consequence: frameshift variant. On other transcripts: non-coding transcript variant (1).
Genome position (GRCh38, 1-based): chr11:17,397,723-17,397,724, AG deleted on the plus strand (CT on the coding strand, the reverse complement: ABCC8 is on the minus strand); deleting any 2 consecutive bases within chr11:17,397,723-17,397,728 gives the same sequence; the c. name uses the placement nearest the transcript's 3' end. VCF-style (leftmost placement, unchanged base first): chr11-17397722-CAG-C. GRCh37 (hg19) VCF-style: chr11-17419269-CAG-C.
Other names: c.3827_3828del (NM_000352.5); c.3830_3831del, p.Ser1277fs (NM_001287174.3); c.3893_3894del, p.Ser1298fs (NM_001351295.2); c.3827_3828del, p.Ser1276fs (NM_001351296.2); c.3824_3825del, p.Ser1275fs (NM_001351297.2); short protein forms S1275fs, S1276fs, S1277fs, S1298fs.
Identifiers: ClinVar variation 2676601 (VCV002676601.6), dbSNP rs2496469826, ClinGen allele CA2574767942.

ClinVar aggregate classification (germline): Pathogenic/Likely pathogenic. Review status: criteria provided, multiple submitters, no conflicts (2 of 4 stars). 3 submissions from 3 submitters: Pathogenic (1); Likely pathogenic (2). Last evaluated 2024-03-12.

Conditions:
Type 2 diabetes mellitus. Also called: Type II diabetes mellitus. Identifiers: MedGen C0011860, MeSH D003924, MONDO:0005148, OMIM 125853, HP:0005978.
Hyperinsulinemic hypoglycemia, familial, 1 (HHF1). Also called: Persistent hyperinsulinemic hypoglycemia of infancy; HYPERINSULINISM, FAMILIAL, WITH PANCREATIC NESIDIOBLASTOSIS; HYPOGLYCEMIA, HYPERINSULINEMIC, OF INFANCY; NESIDIOBLASTOSIS OF PANCREAS; Persistent Hyperinsulinemia Hypoglycemia of Infancy. Identifiers: Orphanet 276575, Orphanet 276598, MedGen C2931832, MONDO:0009734, OMIM 256450.

Submissions (3):

Baylor Genetics
Classification: Likely pathogenic for Type 2 diabetes mellitus. Last evaluated: 2024-03-12. Review status: criteria provided, single submitter. Criteria: ACMG Guidelines, 2015. Collection method: clinical testing. Allele origin: unknown.

Labcorp Genetics (formerly Invitae), Labcorp
Classification: Pathogenic. Last evaluated: 2023-09-29. Review status: criteria provided, single submitter. Criteria: Invitae Variant Classification Sherloc (09022015). Collection method: clinical testing. Allele origin: germline.
Comment: This sequence change creates a premature translational stop signal (p.Ser1276Cysfs*129) in the ABCC8 gene. It is expected to result in an absent or disrupted protein product. Loss-of-function variants in ABCC8 are known to be pathogenic (PMID: 20685672, 23345197). This variant is not present in population databases (gnomAD no frequency). This variant has not been reported in the literature in individuals affected with ABCC8-related conditions. For these reasons, this variant has been classified as Pathogenic.

Seattle Children's Hospital Molecular Genetics Laboratory, Seattle Children's Hospital
Classification: Likely pathogenic for Hyperinsulinemic hypoglycemia, familial, 1. Review status: criteria provided, single submitter. Criteria: ACMG Guidelines, 2015. Collection method: clinical testing. Allele origin: germline. Affected: yes.
Comment: This deletion of two nucleotides results in substitution of the serine at amino acid position 1276 with a cysteine followed by a premature termination codon after 129 amino acids. The p.Ser1276Cysfs*129 is predicted to cause loss-of-function due to a truncated or absent gene product. To our knowledge, the p.Ser1276Cysfs*129 variant has not been published in the medical literature and is not present in the ClinVar database; however, other frameshift and nonsense variants in this region have been reported. The p.Ser1276Cysfs*129 variant is not present in large population studies (gnomAD exomes v2.1.1).

Literature cited by the submitters: PubMed 20685672 (cited by Labcorp Genetics (formerly Invitae), Labcorp); PubMed 23345197 (cited by Labcorp Genetics (formerly Invitae), Labcorp).